The following is an entry in ClinVar:

ClinVar aggregate classification (germline): Uncertain significance (1 of 4 stars; one submission).

gnomAD v4.1: 2 of 1,608,724 alleles (0.00012%); highest among the groups gnomAD compares: South Asian, 0.0022%; no homozygotes.

Submission:

GeneDx
Classification: Uncertain significance. Last evaluated: 2024-05-28. Review status: criteria provided, single submitter. Criteria: GeneDx Variant Classification Process June 2021. Collection method: clinical testing. Allele origin: germline. Affected: yes.
Comment: Not observed at significant frequency in large population cohorts (gnomAD); Canonical splice site variant in a gene or region of a gene for which loss of function is not a well-established mechanism of disease; Has not been previously published as pathogenic or benign to our knowledge

NM_003718.5(CDK13):c.3236-1G>A

Gene: CDK13 (cyclin dependent kinase 13; plus strand). Cytogenetic location: 7p14.1.
Variant type: single nucleotide variant.
Coding change: c.3236-1G>A on transcript NM_003718.5 (MANE Select); the canonical splice acceptor site of the intron before coding-DNA position 3236, G replaced by A.
Molecular consequence: splice acceptor variant. On other transcripts: intron variant (1).
Genome position (GRCh38, 1-based): chr7:40,092,784, G>A. VCF-style: chr7-40092784-G-A. GRCh37 (hg19) VCF-style: chr7-40132383-G-A.
Other names: c.3236-181G>A (NM_031267.3).
Identifiers: ClinVar variation 3383585 (VCV003383585.1).